The following is an entry in ClinVar:

ClinVar aggregate classification (germline): Uncertain significance. Review status: criteria provided, multiple submitters, no conflicts (2 of 4 stars). 2 submissions from 2 submitters: Uncertain significance (2). Last evaluated 2024-01-30.

Conditions:
Congenital neutropenia-myelofibrosis-nephromegaly syndrome. Also called: Severe congenital neutropenia 5, autosomal recessive. Identifiers: Orphanet 369852, MedGen C3809031, MONDO:0014118, OMIM 615285.

Allele frequency attached by ClinVar (database versions not stated): TOPMed below 0.00001; ExAC 0.00001; gnomAD exomes 0.00001.
gnomAD v4.1: 10 of 1,614,022 alleles (0.00062%); highest among the groups gnomAD compares: Admixed American, 0.0017%; no homozygotes.

Submissions (2):

Blueprint Genetics
Classification: Uncertain significance. Last evaluated: 2024-01-30. Review status: criteria provided, single submitter. Criteria: ACMG Guidelines, 2015. Collection method: clinical testing. Allele origin: germline.

Labcorp Genetics (formerly Invitae), Labcorp
Classification: Uncertain significance for Congenital neutropenia-myelofibrosis-nephromegaly syndrome. Last evaluated: 2022-07-18. Review status: criteria provided, single submitter. Criteria: Invitae Variant Classification Sherloc (09022015). Collection method: clinical testing. Allele origin: germline.
Comment: This sequence change replaces arginine, which is basic and polar, with cysteine, which is neutral and slightly polar, at codon 176 of the VPS45 protein (p.Arg176Cys). This variant is present in population databases (rs782677308, gnomAD 0.003%). This variant has not been reported in the literature in individuals affected with VPS45-related conditions. ClinVar contains an entry for this variant (Variation ID: 853326). Algorithms developed to predict the effect of missense changes on protein structure and function are either unavailable or do not agree on the potential impact of this missense change (SIFT: "Deleterious"; PolyPhen-2: "Probably Damaging"; Align-GVGD: "Class C0"). In summary, the available evidence is currently insufficient to determine the role of this variant in disease. Therefore, it has been classified as a Variant of Uncertain Significance.

NM_007259.5(VPS45):c.526C>T (p.Arg176Cys)

Gene: VPS45 (vacuolar protein sorting 45 homolog; plus strand). Cytogenetic location: 1q21.2.
Variant type: single nucleotide variant.
Coding change: c.526C>T on transcript NM_007259.5 (MANE Select); coding-DNA position 526, C replaced by T.
Protein change: p.Arg176Cys; replaces arginine 176 with cysteine.
Molecular consequence: missense variant. On other transcripts: intron variant (1).
Genome position (GRCh38, 1-based): chr1:150,077,181, C>T. VCF-style: chr1-150077181-C-T. GRCh37 (hg19) VCF-style: chr1-150049259-C-T.
Other names: c.418C>T, p.Arg140Cys (NM_001279354.2); c.262-488C>T (NM_001279353.2); short protein forms R140C, R176C.
Identifiers: ClinVar variation 853326 (VCV000853326.7), dbSNP rs782677308, ClinGen allele CA1073156.
Genomic context (GRCh38, chr1:150,077,181, plus strand): 5'-TCTAGAACAACTCAAGGGCTTACAGCTCTCCTTTTATCTCTGAAGAAGTGTCCCATGATT[C>T]GTTATCAGCTCTCATCAGAGGCAGCAAAGAGACTTGCAGAGTGCGTTAAGGTATGGCATT-3'
Protein context (NP_009190.2, residues 166-186): LLSLKKCPMI[Arg176Cys]YQLSSEAAKR